The following is an entry in ClinVar:

NM_000043.6(FAS):c.208G>A (p.Ala70Thr)

Gene: FAS (Fas cell surface death receptor; plus strand). Cytogenetic location: 10q23.31.
Variant type: single nucleotide variant.
Coding change: c.208G>A on transcript NM_000043.6 (MANE Select); coding-DNA position 208, G replaced by A.
Protein change: p.Ala70Thr; replaces alanine 70 with threonine.
Molecular consequence: missense variant. On other transcripts: non-coding transcript variant (4).
Genome position (GRCh38, 1-based): chr10:89,007,711, G>A. VCF-style: chr10-89007711-G-A. GRCh37 (hg19) VCF-style: chr10-90767468-G-A.
Other names: c.208G>A, p.Ala70Thr (NM_001320619.2, NM_152871.4, NM_152872.4); c.253G>A, p.Ala85Thr (NM_001410956.1); short protein forms A70T, A85T.
Identifiers: ClinVar variation 3627877 (VCV003627877.2).

ClinVar aggregate classification (germline): Uncertain significance (1 of 4 stars; one submission).

Conditions:
Autoimmune lymphoproliferative syndrome type 1. Also called: AUTOIMMUNE LYMPHOPROLIFERATIVE SYNDROME, TYPE I, AUTOSOMAL DOMINANT. Identifiers: Orphanet 3261, MedGen C2717884, MONDO:0011158, OMIM 601859.

gnomAD v4.1: 4 of 1,613,862 alleles (0.00025%); highest among the groups gnomAD compares: Non-Finnish European, 0.00034%; no homozygotes.

Submission:

Labcorp Genetics (formerly Invitae), Labcorp
Classification: Uncertain significance for Autoimmune lymphoproliferative syndrome. Last evaluated: 2024-08-06. Review status: criteria provided, single submitter. Criteria: Invitae Variant Classification Sherloc (09022015). Collection method: clinical testing. Allele origin: germline.
Comment: This sequence change replaces alanine, which is neutral and non-polar, with threonine, which is neutral and polar, at codon 70 of the FAS protein (p.Ala70Thr). This variant is present in population databases (rs763495508, gnomAD 0.002%). This variant has not been reported in the literature in individuals affected with FAS-related conditions. An algorithm developed to predict the effect of missense changes on protein structure and function outputs the following: PolyPhen-2: "Benign". The threonine amino acid residue is found in multiple mammalian species, which suggests that this missense change does not adversely affect protein function. In summary, the available evidence is currently insufficient to determine the role of this variant in disease. Therefore, it has been classified as a Variant of Uncertain Significance.